The following is an entry in ClinVar:

ClinVar aggregate classification (germline): Uncertain significance (1 of 4 stars; one submission).

Conditions:
Hereditary cancer-predisposing syndrome. Also called: Neoplastic Syndromes, Hereditary; Tumor predisposition; Hereditary neoplastic syndrome; Hereditary Cancer Syndrome. Identifiers: Orphanet 140162, MedGen C0027672, MeSH D009386, MONDO:0015356.

Submission:

Ambry Genetics
Classification: Uncertain significance for Hereditary cancer-predisposing syndrome. Last evaluated: 2022-12-17. Review status: criteria provided, single submitter. Criteria: Ambry Variant Classification Scheme 2023. Collection method: clinical testing. Allele origin: germline.
Comment: The p.R351S variant (also known as c.1051C>A), located in coding exon 9 of the MRE11A gene, results from a C to A substitution at nucleotide position 1051. The arginine at codon 351 is replaced by serine, an amino acid with dissimilar properties. This amino acid position is conserved. In addition, this alteration is predicted to be deleterious by in silico analysis. Since supporting evidence is limited at this time, the clinical significance of this alteration remains unclear.

NM_005591.4(MRE11):c.1051C>A (p.Arg351Ser)

Gene: MRE11 (MRE11 double strand break repair nuclease; minus strand). Cytogenetic location: 11q21.
Variant type: single nucleotide variant.
Coding change: c.1051C>A on transcript NM_005591.4 (MANE Select); coding-DNA position 1051, C replaced by A.
Protein change: p.Arg351Ser; replaces arginine 351 with serine.
Molecular consequence: missense variant.
Genome position (GRCh38, 1-based): chr11:94,467,860, G>T on the plus strand (C>A on the coding strand, the complement: MRE11 is on the minus strand). VCF-style: chr11-94467860-G-T. GRCh37 (hg19) VCF-style: chr11-94201026-G-T.
Other names: c.1051C>A, p.Arg351Ser (NM_001330347.2, NM_005590.4); short protein forms R351S.
Identifiers: ClinVar variation 2451361 (VCV002451361.2), dbSNP rs757492041, ClinGen allele CA382373811.
Genomic context (GRCh38, chr11:94,467,860, plus strand): 5'-AAATAGGACTTACTCGCAGTCGTACAAGAGGCTTCTCTGGCTGGTGAGAATTACCCAGAC[G>T]TTCCCGTTCAGCATTTTCAAGCATTTCTTCAATCTCAAAATTTTTAAAAAGATTAAAAAA-3'
Protein context (NP_005582.1, residues 341-361): EEMLENAERE[Arg351Ser]LGNSHQPEKP